The following is an entry in ClinVar:

NM_000222.3(KIT):c.1588G>T (p.Val530Leu)

Gene: KIT (KIT proto-oncogene, receptor tyrosine kinase; plus strand). Cytogenetic location: 4q12.
Variant type: single nucleotide variant.
Coding change: c.1588G>T on transcript NM_000222.3 (MANE Select); coding-DNA position 1588, G replaced by T.
Protein change: p.Val530Leu; replaces valine 530 with leucine.
Molecular consequence: missense variant.
Genome position (GRCh38, 1-based): chr4:54,727,265, G>T. VCF-style: chr4-54727265-G-T. GRCh37 (hg19) VCF-style: chr4-55593431-G-T.
Other names: c.1579G>T, p.Val527Leu (NM_001385288.1, NM_001385292.1); c.1591G>T, p.Val531Leu (NM_001385290.1, NM_001385284.1); c.1576G>T, p.Val526Leu (NM_001093772.2, NM_001385286.1); c.1588G>T, p.Val530Leu (NM_001385285.1); short protein forms V531L, V527L, V526L, V530L.
Identifiers: ClinVar variation 2842843 (VCV002842843.3), dbSNP rs72550822, ClinGen allele CA356907034.

ClinVar aggregate classification (germline): Uncertain significance (1 of 4 stars; one submission).

Conditions:
Gastrointestinal stromal tumor. Also called: Gastrointestinal stromal tumor, somatic; Gastrointestinal stroma tumor. Identifiers: Orphanet 44890, MedGen C0238198, MeSH D046152, MONDO:0011719, OMIM 606764, HP:0100723.

Submission:

Labcorp Genetics (formerly Invitae), Labcorp
Classification: Uncertain significance for Gastrointestinal stromal tumor. Last evaluated: 2023-06-27. Review status: criteria provided, single submitter. Criteria: Invitae Variant Classification Sherloc (09022015). Collection method: clinical testing. Allele origin: germline.
Comment: In summary, the available evidence is currently insufficient to determine the role of this variant in disease. Therefore, it has been classified as a Variant of Uncertain Significance. An algorithm developed to predict the effect of missense changes on protein structure and function (PolyPhen-2) suggests that this variant is likely to be tolerated. This variant has not been reported in the literature in individuals affected with KIT-related conditions. This variant is not present in population databases (gnomAD no frequency). This sequence change replaces valine, which is neutral and non-polar, with leucine, which is neutral and non-polar, at codon 530 of the KIT protein (p.Val530Leu).